The following is an entry in ClinVar:

NM_001365536.1(SCN9A):c.5378C>A (p.Ala1793Glu)

Genes: SCN9A (sodium voltage-gated channel alpha subunit 9; minus strand), SCN1A-AS1 (SCN1A and SCN9A antisense RNA 1; plus strand). Cytogenetic location: 2q24.3.
Variant type: single nucleotide variant.
Coding change: c.5378C>A on transcript NM_001365536.1 (MANE Select); coding-DNA position 5378, C replaced by A.
Protein change: p.Ala1793Glu; replaces alanine 1793 with glutamic acid.
Molecular consequence: missense variant.
Genome position (GRCh38, 1-based): chr2:166,199,261, G>T on the plus strand (C>A on the coding strand, the complement: SCN9A is on the minus strand). VCF-style: chr2-166199261-G-T. GRCh37 (hg19) VCF-style: chr2-167055771-G-T.
Other names: c.5345C>A, p.Ala1782Glu (NM_002977.4); short protein forms A1782E, A1793E.
Identifiers: ClinVar variation 2946880 (VCV002946880.4), dbSNP rs1426546530, ClinGen allele CA349053161.

ClinVar aggregate classification (germline): Uncertain significance. Review status: criteria provided, multiple submitters, no conflicts (2 of 4 stars). 2 submissions from 2 submitters: Uncertain significance (2). Last evaluated 2024-05-31.

Conditions:
Neuropathy, hereditary sensory and autonomic, type 2A (HSAN2A). Also called: HSAN IIA; WNK1-Related HSAN2 (HSAN2A); ACROOSTEOLYSIS, GIACCAI TYPE; ACROOSTEOLYSIS, NEUROGENIC; MORVAN DISEASE; NEUROPATHY, CONGENITAL SENSORY. Identifiers: Orphanet 970, MedGen C2752089, MONDO:0024309, OMIM 201300.
Generalized epilepsy with febrile seizures plus, type 7 (GEFSP7). Also called: GEFS+, TYPE 7. Identifiers: Orphanet 36387, MedGen C2751778, MONDO:0013470, OMIM 613863.

Allele frequency attached by ClinVar (database versions not stated): gnomAD 0.00001.
gnomAD v4.1: 2 of 1,613,936 alleles (0.00012%); highest among the groups gnomAD compares: African/African-American, 0.0027%; no homozygotes.

Submissions (2):

Women's Health and Genetics/Laboratory Corporation of America, LabCorp
Classification: Uncertain significance. Last evaluated: 2024-05-31. Review status: criteria provided, single submitter. Criteria: LabCorp Variant Classification Summary - May 2015. Collection method: clinical testing. Allele origin: germline.
Comment: Variant summary: SCN9A c.5345C>A (p.Ala1782Glu) results in a non-conservative amino acid change in the encoded protein sequence. Four of five in-silico tools predict a damaging effect of the variant on protein function. The variant was absent in 251494 control chromosomes. The available data on variant occurrences in the general population are insufficient to allow any conclusion about variant significance. To our knowledge, no occurrence of c.5345C>A in individuals affected with Channelopathy-Associated Congenital Insensitivity To Pain, Autosomal Recessive and no experimental evidence demonstrating its impact on protein function have been reported. No submitters have cited clinical-significance assessments for this variant to ClinVar. Based on the evidence outlined above, the variant was classified as uncertain significance.

Labcorp Genetics (formerly Invitae), Labcorp
Classification: Uncertain significance for Neuropathy, hereditary sensory and autonomic, type 2A; Generalized epilepsy with febrile seizures plus, type 7. Last evaluated: 2023-11-03. Review status: criteria provided, single submitter. Criteria: Invitae Variant Classification Sherloc (09022015). Collection method: clinical testing. Allele origin: germline.
Comment: This sequence change replaces alanine, which is neutral and non-polar, with glutamic acid, which is acidic and polar, at codon 1782 of the SCN9A protein (p.Ala1782Glu). This variant is not present in population databases (gnomAD no frequency). This variant has not been reported in the literature in individuals affected with SCN9A-related conditions. Advanced modeling of protein sequence and biophysical properties (such as structural, functional, and spatial information, amino acid conservation, physicochemical variation, residue mobility, and thermodynamic stability) has been performed at Invitae for this missense variant, however the output from this modeling did not meet the statistical confidence thresholds required to predict the impact of this variant on SCN9A protein function. In summary, the available evidence is currently insufficient to determine the role of this variant in disease. Therefore, it has been classified as a Variant of Uncertain Significance.